The following is an entry in ClinVar:

NM_003647.3(DGKE):c.464G>A (p.Arg155Lys)

Gene: DGKE (diacylglycerol kinase epsilon; plus strand). Cytogenetic location: 17q22.
Variant type: single nucleotide variant.
Coding change: c.464G>A on transcript NM_003647.3 (MANE Select); coding-DNA position 464, G replaced by A.
Protein change: p.Arg155Lys; replaces arginine 155 with lysine.
Molecular consequence: missense variant.
Genome position (GRCh38, 1-based): chr17:56,835,259, G>A. VCF-style: chr17-56835259-G-A. GRCh37 (hg19) VCF-style: chr17-54912620-G-A.
Other names: short protein forms R155K.
Identifiers: ClinVar variation 3236183 (VCV003236183.1), dbSNP rs2509260145, ClinGen allele CA399922905.

ClinVar aggregate classification (germline): Uncertain significance (1 of 4 stars; one submission).

Conditions:
Immunoglobulin-mediated membranoproliferative glomerulonephritis. Also called: NEPHROTIC SYNDROME, TYPE 7, WITH MEMBRANOPROLIFERATIVE GLOMERULONEPHRITIS; Nephrotic syndrome, type 7. Identifiers: Orphanet 329903, MedGen C3554330, MONDO:0014005, OMIM 615008.

Allele frequency attached by ClinVar (database versions not stated): gnomAD exomes below 0.00001.
gnomAD v4.1: 1 of 1,605,934 alleles (0.000062%); highest among the groups gnomAD compares: South Asian, 0.0011%; no homozygotes.

Submission:

MVZ Medizinische Genetik Mainz
Classification: Uncertain significance for Immunoglobulin-mediated membranoproliferative glomerulonephritis. Last evaluated: 2022-12-06. Review status: criteria provided, single submitter. Criteria: UK Practice Guidelines For Variant Classification V4 01 2020. Collection method: clinical testing. Allele origin: germline. Inheritance: Autosomal recessive inheritance. Affected: yes. Observed: 1 variant allele.
Comment: ACMG Criteria: PM2_SUP, PM3_SUP, PP3